The following is an entry in ClinVar:

ClinVar aggregate classification (germline): Uncertain significance (1 of 4 stars; one submission).

gnomAD v4.1: 20 of 1,613,878 alleles (0.0012%); highest among the groups gnomAD compares: African/African-American, 0.004%; no homozygotes.

Submission:

Mayo Clinic Laboratories, Mayo Clinic
Classification: Uncertain significance. Last evaluated: 2023-12-07. Review status: criteria provided, single submitter. Criteria: ACMG Guidelines, 2015. Collection method: clinical testing. Allele origin: germline. Observed: 1 variant allele.
Comment: BP4

NM_005726.6(TSFM):c.532A>G (p.Arg178Gly)

Gene: TSFM (Ts translation elongation factor, mitochondrial; plus strand). Cytogenetic location: 12q14.1.
Variant type: single nucleotide variant.
Coding change: c.532A>G on transcript NM_005726.6 (MANE Select); coding-DNA position 532, A replaced by G.
Protein change: p.Arg178Gly; replaces arginine 178 with glycine.
Molecular consequence: missense variant. On other transcripts: intron variant (1).
Genome position (GRCh38, 1-based): chr12:57,793,034, A>G. VCF-style: chr12-57793034-A-G. GRCh37 (hg19) VCF-style: chr12-58186817-A-G.
Other names: p.Arg199Gly; c.595A>G, p.Arg199Gly (NM_001172696.2); c.532A>G, p.Arg178Gly (NM_001172697.2); c.484-3143A>G (NM_001172695.2); short protein forms R178G, R199G.
Identifiers: ClinVar variation 3380113 (VCV003380113.1).